The following is an entry in ClinVar:

ClinVar aggregate classification (germline): Uncertain significance (1 of 4 stars; one submission).

Allele frequency attached by ClinVar (database versions not stated): gnomAD 0.00002; gnomAD exomes 0.00003 and 0.00010; TOPMed 0.00003; ExAC 0.00007.
gnomAD v4.1: 45 of 1,613,794 alleles (0.0028%); highest among the groups gnomAD compares: Admixed American, 0.037%; no homozygotes.

Submission:

Labcorp Genetics (formerly Invitae), Labcorp
Classification: Uncertain significance. Last evaluated: 2026-01-18. Review status: criteria provided, single submitter. Criteria: Invitae Variant Classification Sherloc (09022015). Collection method: clinical testing. Allele origin: germline.
Comment: This sequence change replaces proline, which is neutral and non-polar, with leucine, which is neutral and non-polar, at codon 491 of the MYLK3 protein (p.Pro491Leu). This variant is present in population databases (rs767239263, gnomAD 0.05%), and has an allele count higher than expected for a pathogenic variant. This variant has not been reported in the literature in individuals affected with MYLK3-related conditions. ClinVar contains an entry for this variant (Variation ID: 1374141). An algorithm developed to predict the effect of missense changes on protein structure and function (PolyPhen-2) suggests that this variant is likely to be tolerated. In summary, the available evidence is currently insufficient to determine the role of this variant in disease. Therefore, it has been classified as a Variant of Uncertain Significance.

NM_182493.3(MYLK3):c.1472C>T (p.Pro491Leu)

Gene: MYLK3 (myosin light chain kinase 3; minus strand). Cytogenetic location: 16q11.2.
Variant type: single nucleotide variant.
Coding change: c.1472C>T on transcript NM_182493.3 (MANE Select); coding-DNA position 1472, C replaced by T.
Protein change: p.Pro491Leu; replaces proline 491 with leucine.
Molecular consequence: missense variant.
Genome position (GRCh38, 1-based): chr16:46,730,689, G>A on the plus strand (C>T on the coding strand, the complement: MYLK3 is on the minus strand). VCF-style: chr16-46730689-G-A. GRCh37 (hg19) VCF-style: chr16-46764601-G-A.
Other names: c.449C>T, p.Pro150Leu (NM_001308301.1); short protein forms P491L, P150L.
Identifiers: ClinVar variation 1374141 (VCV001374141.6), dbSNP rs767239263, ClinGen allele CA8037967.
Genomic context (GRCh38, chr16:46,730,689, plus strand): 5'-GCAGAGATGGAGGTCTCCTTGACGCTCACTACCCGGTGTTCAAAAGGAGCTGGTGGGGCC[G>A]GACTGTCATCTGCTCAGGAGGCAATAAGGACCTGTGAGCCTCCTCTGTGCAGCCCACACC-3'
Protein context (NP_872299.2, residues 481-501): EAGSVVLDDS[Pro491Leu]APPAPFEHRV